The following is an entry in ClinVar:

NM_000528.4(MAN2B1):c.1078C>G (p.Leu360Val)

Gene: MAN2B1 (mannosidase alpha class 2B member 1; minus strand). Cytogenetic location: 19p13.13.
Variant type: single nucleotide variant.
Coding change: c.1078C>G on transcript NM_000528.4 (MANE Select); coding-DNA position 1078, C replaced by G.
Protein change: p.Leu360Val; replaces leucine 360 with valine.
Molecular consequence: missense variant.
Genome position (GRCh38, 1-based): chr19:12,658,459, G>C on the plus strand (C>G on the coding strand, the complement: MAN2B1 is on the minus strand). VCF-style: chr19-12658459-G-C. GRCh37 (hg19) VCF-style: chr19-12769273-G-C.
Other names: c.1075C>G, p.Leu359Val (NM_001173498.2); short protein forms L360V, L359V.
Identifiers: ClinVar variation 1360886 (VCV001360886.8), dbSNP rs2145262015, ClinGen allele CA404248688.

ClinVar aggregate classification (germline): Uncertain significance (1 of 4 stars; one submission).

Conditions:
Deficiency of alpha-mannosidase (MANSA). Also called: LYSOSOMAL ALPHA-D-MANNOSIDASE DEFICIENCY; Mannosidosis, alpha-, types I and II; Alpha-Mannosidosis. Identifiers: Orphanet 61, MedGen C0024748, MONDO:0009561, OMIM 248500.

Submission:

Labcorp Genetics (formerly Invitae), Labcorp
Classification: Uncertain significance for Deficiency of alpha-mannosidase. Last evaluated: 2023-07-17. Review status: criteria provided, single submitter. Criteria: Invitae Variant Classification Sherloc (09022015). Collection method: clinical testing. Allele origin: germline.
Comment: In summary, the available evidence is currently insufficient to determine the role of this variant in disease. Therefore, it has been classified as a Variant of Uncertain Significance. Advanced modeling of protein sequence and biophysical properties (such as structural, functional, and spatial information, amino acid conservation, physicochemical variation, residue mobility, and thermodynamic stability) performed at Invitae indicates that this missense variant is not expected to disrupt MAN2B1 protein function. ClinVar contains an entry for this variant (Variation ID: 1360886). This variant has not been reported in the literature in individuals affected with MAN2B1-related conditions. This variant is not present in population databases (gnomAD no frequency). This sequence change replaces leucine, which is neutral and non-polar, with valine, which is neutral and non-polar, at codon 360 of the MAN2B1 protein (p.Leu360Val).